The following is an entry in ClinVar:

ClinVar aggregate classification (germline): Conflicting classifications of pathogenicity. Review status: criteria provided, conflicting classifications (1 of 4 stars). 3 submissions from 3 submitters: Uncertain significance (1); Likely benign (2). Last evaluated 2026-08-05.

Conditions:
Neonatal diabetes mellitus with congenital hypothyroidism. Also called: NDH SYNDROME. Identifiers: Orphanet 79118, MedGen C1857775, MONDO:0012436, OMIM 610199.
GLIS3-related disorder. Also called: GLIS3-related condition.

Allele frequency attached by ClinVar (database versions not stated): gnomAD exomes 0.00015 and 0.00020; ExAC 0.00022; gnomAD 0.00035 and 0.00036; ESP Exome Variant Server 0.00038; TOPMed 0.00039.
gnomAD v4.1: 275 of 1,551,318 alleles (0.018%); highest among the groups gnomAD compares: Middle Eastern, 0.084%; no homozygotes.

Submissions (3):

PreventionGenetics, part of Exact Sciences
Classification: Likely benign for GLIS3-related condition. Last evaluated: 2026-08-05. Review status: criteria provided, single submitter. Criteria: ACMG Guidelines, 2015. Collection method: clinical testing. Allele origin: germline.
Comment: This variant is classified as likely benign based on ACMG/AMP sequence variant interpretation guidelines (Richards et al. 2015 PMID: 25741868, with internal and published modifications).

Labcorp Genetics (formerly Invitae), Labcorp
Classification: Likely benign. Last evaluated: 2025-11-28. Review status: criteria provided, single submitter. Criteria: Invitae Variant Classification Sherloc (09022015). Collection method: clinical testing. Allele origin: germline.

Baylor Genetics
Classification: Uncertain significance for Neonatal diabetes mellitus with congenital hypothyroidism. Last evaluated: 2020-02-21. Review status: criteria provided, single submitter. Criteria: ACMG Guidelines, 2015. Collection method: clinical testing. Allele origin: unknown. Affected: yes.
Comment: This variant was determined to be of uncertain significance according to ACMG Guidelines, 2015 [PMID:25741868].

NM_001042413.2(GLIS3):c.1873-9C>G

Gene: GLIS3 (GLIS family zinc finger 3; minus strand). Cytogenetic location: 9p24.2.
Variant type: single nucleotide variant.
Coding change: c.1873-9C>G on transcript NM_001042413.2 (MANE Select); 9 bases into the intron before coding-DNA position 1873, C replaced by G.
Molecular consequence: intron variant.
Genome position (GRCh38, 1-based): chr9:3,932,479, G>C on the plus strand (C>G on the coding strand, the complement: GLIS3 is on the minus strand). VCF-style: chr9-3932479-G-C. GRCh37 (hg19) VCF-style: chr9-3932479-G-C.
Other names: c.1408-9C>G (NM_152629.4).
Identifiers: ClinVar variation 782116 (VCV000782116.9), dbSNP rs371770632, ClinGen allele CA4968030.